The following is an entry in ClinVar:

ClinVar aggregate classification (germline): Conflicting classifications of pathogenicity. Review status: criteria provided, conflicting classifications (1 of 4 stars). 8 submissions from 8 submitters: Uncertain significance (5); Likely benign (3). Last evaluated 2026-05-23.

Conditions:
Dilated cardiomyopathy 1G (CMD1G). Identifiers: Orphanet 154, MedGen C1858763, MONDO:0011400, OMIM 604145.
Autosomal recessive limb-girdle muscular dystrophy type 2J (LGMDR10). Also called: Limb-girdle muscular dystrophy, type 2J; MUSCULAR DYSTROPHY, LIMB-GIRDLE, AUTOSOMAL RECESSIVE 10. Identifiers: Orphanet 140922, MedGen C1837342, MONDO:0012127, OMIM 608807.
TTN-related disorder. Also called: TTN-related condition; TTN-related disease; TTN-related disorders.
Cardiomyopathy (CMYO). Also called: Cardiomyopathies. Identifiers: Orphanet 167848, MedGen C0878544, MONDO:0004994, HP:0001638. Inheritance: Various modes of inheritance.

Allele frequency attached by ClinVar (database versions not stated): 1000 Genomes Project 30x 0.00016; 1000 Genomes Project 0.00020; gnomAD 0.00032 and 0.00034; ESP Exome Variant Server 0.00033; TOPMed 0.00036; gnomAD exomes 0.00009; ExAC 0.00013.
gnomAD v4.1: 94 of 1,613,040 alleles (0.0058%); highest among the groups gnomAD compares: African/African-American, 0.12%; no homozygotes.

Submissions (8):

PreventionGenetics, part of Exact Sciences
Classification: Uncertain significance for TTN-related condition. Last evaluated: 2026-05-23. Review status: criteria provided, single submitter. Criteria: ACMG Guidelines, 2015. Collection method: clinical testing. Allele origin: germline.
Comment: The TTN c.28187C>T variant is predicted to result in the amino acid substitution p.Pro9396Leu. To our knowledge, this variant has not been reported in the literature. This variant is reported in 0.12% of alleles in individuals of African descent in gnomAD. Although we suspect that this variant may be benign, at this time, the clinical significance of this variant is uncertain due to the absence of conclusive functional and genetic evidence.

Labcorp Genetics (formerly Invitae), Labcorp
Classification: Likely benign for Dilated cardiomyopathy 1G; Autosomal recessive limb-girdle muscular dystrophy type 2J. Last evaluated: 2025-12-22. Review status: criteria provided, single submitter. Criteria: Invitae Variant Classification Sherloc (09022015). Collection method: clinical testing. Allele origin: germline.

Molecular Diagnostic Laboratory for Inherited Cardiovascular Disease, Montreal Heart Institute
Classification: Likely benign. Last evaluated: 2025-04-09. Review status: criteria provided, single submitter. Criteria: ACMG Guidelines, 2015. Collection method: clinical testing. Allele origin: germline. Affected: no.

Mayo Clinic Laboratories, Mayo Clinic
Classification: Uncertain significance. Last evaluated: 2025-02-08. Review status: criteria provided, single submitter. Criteria: ACMG Guidelines, 2015. Collection method: clinical testing. Allele origin: germline. Observed: 2 variant alleles.

Revvity Omics, Revvity
Classification: Uncertain significance. Last evaluated: 2020-10-23. Review status: criteria provided, single submitter. Criteria: ACMG Guidelines, 2015. Collection method: clinical testing. Allele origin: germline.

GeneDx
Classification: Likely benign. Last evaluated: 2019-10-15. Review status: criteria provided, single submitter. Criteria: GeneDx Variant Classification Process June 2021. Collection method: clinical testing. Allele origin: germline. Affected: yes.

CHEO Genetics Diagnostic Laboratory, Children's Hospital of Eastern Ontario
Classification: Uncertain significance for Cardiomyopathy. Last evaluated: 2016-10-26. Review status: criteria provided, single submitter. Criteria: ACMG Guidelines, 2015. Collection method: clinical testing. Allele origin: germline. Study: Canadian Open Genetics Repository.

Laboratory for Molecular Medicine, Mass General Brigham Personalized Medicine
Classification: Uncertain significance. Last evaluated: 2014-03-24. Review status: criteria provided, single submitter. Criteria: LMM Criteria. Collection method: clinical testing. Allele origin: germline. Observed: 1 variant allele.
Comment: Variant classified as Uncertain Significance - Favor Benign. The Pro8152Leu vari ant in TTN has not been previously reported in indivdiuals with cardiomyopathy, but has been identified in 0.1% (4/3920) of African American chromosomes by the NHLBI Exome Sequencing Project. Proline (Pro ) at position 8152 is not conserved in evolution and several birds (budgerigar, parrot, scarlet macaw) carry a leucine (Leu) at this position, supporting that t his change may be tolerated. Computational prediction tools also suggest that th is variant may not impact the protein, though this information is not predictive enough to rule out pathogenicity. While the presence of the variant amino acid in other species supports that the Pro8152Leu variant is less likely to be disea se-causing, additional studies are needed to fully assess its clinical significa nce.

Literature cited by the submitters: PubMed 27066507 (cited by Mayo Clinic Laboratories, Mayo Clinic).

NM_001267550.2(TTN):c.28187C>T (p.Pro9396Leu)

Gene: TTN (titin; minus strand). Cytogenetic location: 2q31.2.
Variant type: single nucleotide variant.
Coding change: c.28187C>T on transcript NM_001267550.2 (MANE Select); coding-DNA position 28187, C replaced by T.
Protein change: p.Pro9396Leu; replaces proline 9396 with leucine.
Molecular consequence: missense variant. On other transcripts: intron variant (3).
Genome position (GRCh38, 1-based): chr2:178,710,910, G>A on the plus strand (C>T on the coding strand, the complement: TTN is on the minus strand). VCF-style: chr2-178710910-G-A. GRCh37 (hg19) VCF-style: chr2-179575637-G-A.
Other names: c.27236C>T, p.Pro9079Leu (NM_001256850.1); c.24455C>T, p.Pro8152Leu (NM_133378.4); c.13282+27172C>T (NM_003319.4); c.13858+27172C>T (NM_133437.4); c.13657+27172C>T (NM_133432.3); short protein forms P8152L, P9396L, P9079L.
Identifiers: ClinVar variation 178233 (VCV000178233.24), dbSNP rs373065549, ClinGen allele CA181861.
Genomic context (GRCh38, chr2:178,710,910, plus strand): 5'-AAGTCAGCACTTTCTCCCACCACAGCATCCACAGGGGCAAGACGGATGTCAAAGAAGGGT[G>A]GGTTCTTCCCCTCTAATAGTAGAGCAGAAAGACAAGGTTTCAGGCTCAATATCTGGACCA-3'
Protein context (NP_001254479.2, residues 9386-9406): ARLILTEGKN[Pro9396Leu]PFFDIRLAPV